The following is an entry in ClinVar:

NM_000540.3(RYR1):c.1126A>G (p.Met376Val)

Gene: RYR1 (ryanodine receptor 1; plus strand). Cytogenetic location: 19q13.2.
Variant type: single nucleotide variant.
Coding change: c.1126A>G on transcript NM_000540.3 (MANE Select); coding-DNA position 1126, A replaced by G.
Protein change: p.Met376Val; replaces methionine 376 with valine.
Molecular consequence: missense variant.
Genome position (GRCh38, 1-based): chr19:38,451,767, A>G. VCF-style: chr19-38451767-A-G. GRCh37 (hg19) VCF-style: chr19-38942407-A-G.
Other names: c.1126A>G, p.Met376Val (NM_001042723.2); short protein forms M376V.
Identifiers: ClinVar variation 835864 (VCV000835864.11), dbSNP rs376652821, ClinGen allele CA056650.

ClinVar aggregate classification (germline): Uncertain significance. Review status: criteria provided, multiple submitters, no conflicts (2 of 4 stars). 3 submissions from 3 submitters: Uncertain significance (3). Last evaluated 2025-08-30.

Conditions:
RYR1-related disorder. Also called: RYR1-related disorders; RYR1-related condition. Identifiers: MedGen CN239331.
Malignant hyperthermia, susceptibility to, 1 (MHS1). Also called: Malignant hyperthermia suceptibility 1; RYR1-Related Malignant Hyperthermia Susceptibility; Anesthesia related hyperthermia; Malignant hyperpyrexia; Fulminating hyperpyrexia; Pharmacogenic myopathy. Identifiers: Orphanet 423, MedGen C2930980, MONDO:0007783, OMIM 145600.

Allele frequency attached by ClinVar (database versions not stated): ExAC 0.00001; gnomAD exomes 0.00001 and 0.00002; gnomAD 0.00002 and 0.00003; TOPMed 0.00002; ESP Exome Variant Server 0.00008.
gnomAD v4.1: 28 of 1,614,012 alleles (0.0017%); highest among the groups gnomAD compares: African/African-American, 0.0093%; no homozygotes.

Submissions (3):

Color Diagnostics, LLC DBA Color Health
Classification: Uncertain significance for Malignant hyperthermia, susceptibility to, 1. Last evaluated: 2025-08-30. Review status: criteria provided, single submitter. Criteria: ACMG Guidelines, 2015. Collection method: clinical testing. Allele origin: germline.
Comment: This missense variant replaces methionine with valine at codon 376 of the RYR1 protein. Computational prediction suggests that this variant may not impact protein structure and function. To our knowledge, functional studies have not been reported for this variant. This variant has not been reported in individuals affected with RYR1-related disorders in the literature. This variant has been identified in 2/251062 chromosomes in the general population by the Genome Aggregation Database (gnomAD). The available evidence is insufficient to determine the role of this variant in disease conclusively. Therefore, this variant is classified as a Variant of Uncertain Significance.

Labcorp Genetics (formerly Invitae), Labcorp
Classification: Uncertain significance for RYR1-related disorder. Last evaluated: 2024-12-16. Review status: criteria provided, single submitter. Criteria: Invitae Variant Classification Sherloc (09022015). Collection method: clinical testing. Allele origin: germline.
Comment: This sequence change replaces methionine, which is neutral and non-polar, with valine, which is neutral and non-polar, at codon 376 of the RYR1 protein (p.Met376Val). This variant is present in population databases (rs376652821, gnomAD 0.007%). This variant has not been reported in the literature in individuals affected with RYR1-related conditions. ClinVar contains an entry for this variant (Variation ID: 835864). Invitae Evidence Modeling of protein sequence and biophysical properties (such as structural, functional, and spatial information, amino acid conservation, physicochemical variation, residue mobility, and thermodynamic stability) indicates that this missense variant is not expected to disrupt RYR1 protein function with a negative predictive value of 80%. In summary, the available evidence is currently insufficient to determine the role of this variant in disease. Therefore, it has been classified as a Variant of Uncertain Significance.

Revvity Omics, Revvity
Classification: Uncertain significance. Last evaluated: 2019-11-26. Review status: criteria provided, single submitter. Criteria: ACMG Guidelines, 2015. Collection method: clinical testing. Allele origin: germline.